The following is an entry in ClinVar:

NM_001387430.1(SH2B1):c.1898-199_1898-197delinsTCC

Gene: SH2B1 (SH2B adaptor protein 1; plus strand). Cytogenetic location: 16p11.2.
Variant type: Indel.
Coding change: c.1898-199_1898-197delinsTCC on transcript NM_001387430.1 (MANE Select); 199 bases into the intron before coding-DNA position 1898 through 197 bases into the intron before coding-DNA position 1898, CCT replaced by TCC.
Molecular consequence: intron variant. On other transcripts: missense variant (5).
Genome position (GRCh38, 1-based): chr16:28,873,248-28,873,250, CCT replaced by TCC. VCF-style: chr16-28873248-CCT-TCC. GRCh37 (hg19) VCF-style: chr16-28884569-CCT-TCC.
Other names: c.1976_1978delinsTCC, p.Pro659_Phe660delinsLeuLeu (NM_001145796.2, NM_001145812.2, NM_015503.3); c.2029_2031delinsTCC, p.Pro677Ser (NM_001145797.2); c.968_970delinsTCC, p.Pro323_Phe324delinsLeuLeu (NM_001308294.2); c.1898-199_1898-197delinsTCC (NM_001308293.2, NM_001387404.1, NM_001145795.2); short protein forms P677S.
Identifiers: ClinVar variation 4992194 (VCV004992194.1).

ClinVar aggregate classification (germline): Uncertain significance (1 of 4 stars; one submission).

Conditions:
SH2B1-related disorder. Also called: SH2B1-related condition.

Submission:

PreventionGenetics, part of Exact Sciences
Classification: Uncertain significance for SH2B1-related condition. Last evaluated: 2026-07-24. Review status: criteria provided, single submitter. Criteria: ACMG Guidelines, 2015. Collection method: clinical testing. Allele origin: germline.
Comment: The SH2B1 c.1976_1978delinsTCC variant is predicted to result in an in-frame deletion and insertion. To our knowledge, this variant has not been reported in the literature or in a large population database (gnomAD), indicating this variant is rare. At this time, the clinical significance of this variant is uncertain due to the absence of conclusive functional and genetic evidence.